The following is an entry in ClinVar:

NM_007294.4(BRCA1):c.5183T>A (p.Met1728Lys)

Gene: BRCA1 (BRCA1 DNA repair associated; minus strand). Cytogenetic location: 17q21.31.
Variant type: single nucleotide variant.
Coding change: c.5183T>A on transcript NM_007294.4 (MANE Select); coding-DNA position 5183, T replaced by A.
Protein change: p.Met1728Lys; replaces methionine 1728 with lysine.
Molecular consequence: missense variant. On other transcripts: non-coding transcript variant (1).
Genome position (GRCh38, 1-based): chr17:43,063,343, A>T on the plus strand (T>A on the coding strand, the complement: BRCA1 is on the minus strand). VCF-style: chr17-43063343-A-T. GRCh37 (hg19) VCF-style: chr17-41215360-A-T.
Other names: c.5036T>A, p.Met1679Lys (NM_001407846.1, NM_001407847.1, NM_001407838.1 and 12 more transcripts); c.5177T>A, p.Met1726Lys (NM_001407861.1, NM_001407629.1, NM_001407630.1 and 14 more transcripts); c.4982T>A, p.Met1661Lys (NM_001407862.1); c.4979T>A, p.Met1660Lys (NM_001407863.1); c.4976T>A, p.Met1659Lys (NM_001407874.1, NM_001407875.1); c.4973T>A, p.Met1658Lys (NM_001407879.1, NM_001407881.1, NM_001407882.1 and 5 more transcripts); c.4970T>A, p.Met1657Lys (NM_001407900.1, NM_001407902.1, NM_001407904.1 and 12 more transcripts); c.4967T>A, p.Met1656Lys (NM_001407915.1, NM_001407916.1, NM_001407917.1 and 1 more transcripts); and 72 more; short protein forms M1749K, M1728K, M624K, M1681K, M1574K, M1616K, M1638K, M1640K.
Identifiers: ClinVar variation 867778 (VCV000867778.3), dbSNP rs2051858178, ClinGen allele CA10591177.

Conditions:
Breast-ovarian cancer, familial, susceptibility to, 1 (BROVCA1). Also called: BRCA1 Hereditary Breast and Ovarian Cancer; OVARIAN CANCER, SUSCEPTIBILITY TO. Identifiers: Orphanet 145, MedGen C2676676, MONDO:0011450, OMIM 604370. Disease mechanism: loss of function.

Submission:

Brotman Baty Institute, University of Washington
No classification provided (evidence only). Condition: Breast-ovarian cancer, familial 1. Review status: no classification provided. Collection method: in vitro. Allele origin: not applicable. Functional consequence: functionally_normal.
ClinVar note: "not provided" was previously submitted as the classification for the variant. However, the classification appeared to be based only on an observation of functional data so it was converted to no classification on 2025-07-30.